The following is an entry in ClinVar:

ClinVar aggregate classification (germline): Uncertain significance (1 of 4 stars; one submission).

Allele frequency attached by ClinVar (database versions not stated): gnomAD 0.00001 and 0.00002; gnomAD exomes 0.00001 and 0.00002; TOPMed 0.00002; ExAC 0.00003.
gnomAD v4.1: 21 of 1,614,040 alleles (0.0013%); highest among the groups gnomAD compares: South Asian, 0.0044%; no homozygotes.

Submission:

Labcorp Genetics (formerly Invitae), Labcorp
Classification: Uncertain significance. Last evaluated: 2021-08-14. Review status: criteria provided, single submitter. Criteria: Invitae Variant Classification Sherloc (09022015). Collection method: clinical testing. Allele origin: germline.
Comment: This sequence change replaces arginine with glutamine at codon 165 of the RNF168 protein (p.Arg165Gln). The arginine residue is highly conserved and there is a small physicochemical difference between arginine and glutamine. This variant is present in population databases (rs768744096, ExAC 0.02%). This variant has not been reported in the literature in individuals affected with RNF168-related conditions. Algorithms developed to predict the effect of missense changes on protein structure and function output the following: SIFT: "Tolerated"; PolyPhen-2: "Benign"; Align-GVGD: "Class C0". The glutamine amino acid residue is found in multiple mammalian species, which suggests that this missense change does not adversely affect protein function. In summary, the available evidence is currently insufficient to determine the role of this variant in disease. Therefore, it has been classified as a Variant of Uncertain Significance.

NM_152617.4(RNF168):c.494G>A (p.Arg165Gln)

Gene: RNF168 (ring finger protein 168; minus strand). Cytogenetic location: 3q29.
Variant type: single nucleotide variant.
Coding change: c.494G>A on transcript NM_152617.4 (MANE Select); coding-DNA position 494, G replaced by A.
Protein change: p.Arg165Gln; replaces arginine 165 with glutamine.
Molecular consequence: missense variant.
Genome position (GRCh38, 1-based): chr3:196,487,463, C>T on the plus strand (G>A on the coding strand, the complement: RNF168 is on the minus strand). VCF-style: chr3-196487463-C-T. GRCh37 (hg19) VCF-style: chr3-196214334-C-T.
Other names: short protein forms R165Q.
Identifiers: ClinVar variation 1346502 (VCV001346502.5), dbSNP rs768744096, ClinGen allele CA2780920.